The following is an entry in ClinVar:

ClinVar aggregate classification (germline): Benign/Likely benign. Review status: criteria provided, multiple submitters, no conflicts (2 of 4 stars). 9 submissions from 9 submitters: Benign (3); Likely benign (5). 1 of the submissions does not count toward it. Last evaluated 2026-02-02.

Conditions:
SUOX-related disorder. Also called: SUOX-related condition.
Sulfite oxidase deficiency. Also called: Isolated sulfite oxidase deficiency. Identifiers: Orphanet 833, Orphanet 99731, MedGen C0268624, MONDO:0010089, OMIM 272300, HP:0003643.

Allele frequency attached by ClinVar (database versions not stated): 1000 Genomes Project 0.00080; 1000 Genomes Project 30x 0.00109; ExAC 0.00360; gnomAD 0.00370 and 0.00392; TOPMed 0.00378; gnomAD exomes 0.00379 and 0.00505; ESP Exome Variant Server 0.00515.
gnomAD v4.1: 7,912 of 1,614,140 alleles (0.49%); highest among the groups gnomAD compares: Non-Finnish European, 0.59%; 34 homozygotes.

Submissions (9):

Labcorp Genetics (formerly Invitae), Labcorp
Classification: Benign for Sulfite oxidase deficiency. Last evaluated: 2026-02-02. Review status: criteria provided, single submitter. Criteria: Invitae Variant Classification Sherloc (09022015). Collection method: clinical testing. Allele origin: germline.

CeGaT Center for Human Genetics Tuebingen
Classification: Likely benign. Last evaluated: 2025-10-01. Review status: criteria provided, single submitter. Criteria: CeGaT Center For Human Genetics Tuebingen Variant Classification Criteria Version 2. Collection method: clinical testing. Allele origin: germline. Affected: yes. Observed: 3 variant alleles.
Comment: SUOX: BS2

ARUP Laboratories, Molecular Genetics and Genomics, ARUP Laboratories
Classification: Likely benign for Sulfite oxidase deficiency. Last evaluated: 2025-07-01. Review status: criteria provided, single submitter. Criteria: ARUP Molecular Germline Variant Investigation Process 2024. Collection method: clinical testing. Allele origin: germline.

Blueprint Genetics
Classification: Likely benign. Last evaluated: 2024-11-27. Review status: criteria provided, single submitter. Criteria: ACMG Guidelines, 2015. Collection method: clinical testing. Allele origin: germline.

Genetic Services Laboratory, University of Chicago
Classification: Benign. Last evaluated: 2021-03-23. Review status: criteria provided, single submitter. Criteria: ACMG Guidelines, 2015. Collection method: clinical testing. Allele origin: germline. Affected: no.

Illumina Laboratory Services, Illumina
Classification: Likely benign for Sulfite oxidase deficiency. Last evaluated: 2018-01-12. Review status: criteria provided, single submitter. Criteria: ICSL Variant Classification Criteria 13 December 2019. Collection method: clinical testing. Allele origin: germline.
Comment: This variant was observed in the ICSL laboratory as part of a predisposition screen in an ostensibly healthy population. It had not been previously curated by ICSL or reported in the Human Gene Mutation Database (HGMD: prior to June 1st, 2018), and was therefore a candidate for classification through an automated scoring system. Utilizing variant allele frequency, disease prevalence and penetrance estimates, and inheritance mode, an automated score was calculated to assess if this variant is too frequent to cause the disease. Based on the score and internal cut-off values, a variant classified as likely benign is not then subjected to further curation. The score for this variant resulted in a classification of likely benign for this disease.

Eurofins Ntd Llc (ga)
Classification: Benign. Last evaluated: 2015-10-12. Review status: criteria provided, single submitter. Criteria: EGL Classification Definitions 2015. Collection method: clinical testing. Allele origin: germline. Observed: 1 variant allele, 1 heterozygote.

Breakthrough Genomics
Classification: Likely benign. Review status: criteria provided, single submitter. Criteria: ACMG Guidelines, 2015. Collection method: not provided. Allele origin: germline. Inheritance: Autosomal recessive inheritance. Affected: yes.

PreventionGenetics, part of Exact Sciences
Classification: Benign for SUOX-related condition. Last evaluated: 2021-03-29. Review status: no assertion criteria provided. Collection method: clinical testing. Allele origin: germline. Not counted in ClinVar's aggregate classification.
Comment: This variant is classified as benign based on ACMG/AMP sequence variant interpretation guidelines (Richards et al. 2015 PMID: 25741868, with internal and published modifications).

NM_001032386.2(SUOX):c.1358G>A (p.Gly453Asp)

Gene: SUOX (sulfite oxidase; plus strand). Cytogenetic location: 12q13.2.
Variant type: single nucleotide variant.
Coding change: c.1358G>A on transcript NM_001032386.2 (MANE Select); coding-DNA position 1358, G replaced by A.
Protein change: p.Gly453Asp; replaces glycine 453 with aspartic acid.
Molecular consequence: missense variant.
Genome position (GRCh38, 1-based): chr12:56,004,747, G>A. VCF-style: chr12-56004747-G-A. GRCh37 (hg19) VCF-style: chr12-56398531-G-A.
Other names: c.1358G>A, p.Gly453Asp (NM_000456.3, NM_001032387.2); short protein forms G453D.
Identifiers: ClinVar variation 212329 (VCV000212329.43), dbSNP rs76537761, ClinGen allele CA208735.